The following is an entry in ClinVar:

ClinVar aggregate classification (germline): Uncertain significance (1 of 4 stars; one submission).

Allele frequency attached by ClinVar (database versions not stated): ExAC 0.00001.

Submission:

Women's Health and Genetics/Laboratory Corporation of America, LabCorp
Classification: Uncertain significance. Last evaluated: 2023-11-17. Review status: criteria provided, single submitter. Criteria: LabCorp Variant Classification Summary - May 2015. Collection method: clinical testing. Allele origin: germline.
Comment: Variant summary: MOCS1 NM_001358530.2:c.1858_1859dupAT (p.Lys621Serfs*36) causes a frameshift which results in an extension of the encoded protein. The variant allele was found at a frequency of 4e-06 in 249692 control chromosomes. The available data on variant occurrences in the general population are insufficient to allow any conclusion about variant significance. To our knowledge, no occurrence of c.1858_1859dupAT in individuals affected with Sulfite Oxidase Deficiency Due To Molybdenum Cofactor Deficiency Type A and no experimental evidence demonstrating its impact on protein function have been reported. No submitters have cited clinical-significance assessments for this variant to ClinVar after 2014. Based on the evidence outlined above, the variant was classified as uncertain significance.

NM_001358530.2(MOCS1):c.1858_1859dup (p.Lys621fs)

Gene: MOCS1 (molybdenum cofactor synthesis 1; minus strand). Cytogenetic location: 6p21.2.
Variant type: Duplication.
Coding change: c.1858_1859dup on transcript NM_001358530.2 (MANE Select); coding-DNA positions 1858 to 1859, 2 bases duplicated (AT; older notation c.1858_1859dupAT).
Protein change: p.Lys621fs; shifts the reading frame from lysine 621.
Molecular consequence: frameshift variant. On other transcripts: 3 prime UTR variant (5), non-coding transcript variant (1).
Genome position (GRCh38, 1-based): chr6:39,906,409-39,906,410, AT duplicated on the plus strand (AT on the coding strand, the reverse complement: MOCS1 is on the minus strand). VCF-style (leftmost placement, unchanged base first): chr6-39906408-G-GAT. GRCh37 (hg19) VCF-style: chr6-39874184-G-GAT.
Other names: c.*715_*716dup (NM_001075098.4, NM_001358533.2, NM_001358534.2 and 1 more transcripts); c.1810_1811dup, p.Lys605fs (NM_001358529.2); c.1597_1598dup, p.Lys534fs (NM_001358531.2); c.*715_*716dupAT (NM_005943.6); short protein forms K534fs, K605fs, K621fs.
Identifiers: ClinVar variation 2682608 (VCV002682608.1), dbSNP rs773584065, ClinGen allele CA3795872.